The following is an entry in ClinVar:

NM_015030.2(FRYL):c.8826C>A (p.Asp2942Glu)

Gene: FRYL (FRY like transcription coactivator; minus strand). Cytogenetic location: 4p11.
Variant type: single nucleotide variant.
Coding change: c.8826C>A on transcript NM_015030.2 (MANE Select); coding-DNA position 8826, C replaced by A.
Protein change: p.Asp2942Glu; replaces aspartic acid 2942 with glutamic acid.
Molecular consequence: missense variant.
Genome position (GRCh38, 1-based): chr4:48,499,638, G>T on the plus strand (C>A on the coding strand, the complement: FRYL is on the minus strand). VCF-style: chr4-48499638-G-T. GRCh37 (hg19) VCF-style: chr4-48501655-G-T.
Other names: short protein forms D2942E.
Identifiers: ClinVar variation 5037657 (VCV005037657.1).
Genomic context (GRCh38, chr4:48,499,638, plus strand): 5'-GCTTCCTGTCTGGCCCAGCGTCTGATGATGGAAATATATATGTAACAGTGTCTGTACAGG[G>T]TCATCTTCACAACTGCCAAAGATATCACTGGGCCAGAGAGATCTGAAAATACACAATAGT-3'
Protein context (NP_055845.1, residues 2932-2952): PSDIFGSCED[Asp2942Glu]PVQTLLHIYF

ClinVar aggregate classification (germline): Uncertain significance (1 of 4 stars; one submission).

gnomAD v4.1: 1 of 1,613,832 alleles (0.000062%); highest among the groups gnomAD compares: Non-Finnish European, 0.000085%; no homozygotes.

Submission:

GeneDx
Classification: Uncertain significance. Last evaluated: 2026-04-25. Review status: criteria provided, single submitter. Criteria: GeneDx Variant Classification Process June 2021. Collection method: clinical testing. Allele origin: germline.
Comment: Not observed at significant frequency in large population cohorts (gnomAD); In silico analysis supports that this missense variant has a deleterious effect on protein structure/function; Has not been previously published as pathogenic or benign to our knowledge